The following is an entry in ClinVar:

ClinVar aggregate classification (germline): Uncertain significance (1 of 4 stars; one submission).

Conditions:
Intellectual developmental disorder, autosomal dominant 33. Also called: Intellectual disability, autosomal dominant 33. Identifiers: MedGen C4225375, MONDO:0014580, OMIM 616311.

Allele frequency attached by ClinVar (database versions not stated): TOPMed 0.00001; gnomAD exomes 0.00003 and below 0.00001.
gnomAD v4.1: 6 of 1,514,028 alleles (0.0004%); highest among the groups gnomAD compares: East Asian, 0.016%; no homozygotes.

Submission:

Baylor Genetics
Classification: Uncertain significance for Intellectual developmental disorder, autosomal dominant 33. Last evaluated: 2018-10-25. Review status: criteria provided, single submitter. Criteria: ACMG Guidelines, 2015. Collection method: clinical testing. Allele origin: maternal. Affected: yes.
Comment: This variant was determined to be of uncertain significance according to ACMG Guidelines, 2015 [PMID:25741868].

NM_130797.4(DPP6):c.88G>A (p.Gly30Ser)

Gene: DPP6 (dipeptidyl peptidase like 6; plus strand). Cytogenetic location: 7q36.2.
Variant type: single nucleotide variant.
Coding change: c.88G>A on transcript NM_130797.4 (MANE Select); coding-DNA position 88, G replaced by A.
Protein change: p.Gly30Ser; replaces glycine 30 with serine.
Molecular consequence: missense variant. On other transcripts: intron variant (6).
Genome position (GRCh38, 1-based): chr7:154,052,908, G>A. VCF-style: chr7-154052908-G-A. GRCh37 (hg19) VCF-style: chr7-153749993-G-A.
Other names: c.88G>A, p.Gly30Ser (NM_001290253.2); c.60+303900G>A (NM_001364500.2, NM_001364499.2, NM_001364497.2 and 1 more transcripts); c.51+165174G>A (NM_001364501.2, NM_001039350.3); short protein forms G30S.
Identifiers: ClinVar variation 1032378 (VCV001032378.1), dbSNP rs1217247861, ClinGen allele CA370200778.